The following is an entry in ClinVar:

NM_015046.7(SETX):c.4635T>A (p.Ser1545Arg)

Gene: SETX (senataxin; minus strand). Cytogenetic location: 9q34.13.
Variant type: single nucleotide variant.
Coding change: c.4635T>A on transcript NM_015046.7 (MANE Select); coding-DNA position 4635, T replaced by A.
Protein change: p.Ser1545Arg; replaces serine 1545 with arginine.
Molecular consequence: missense variant.
Genome position (GRCh38, 1-based): chr9:132,326,963, A>T on the plus strand (T>A on the coding strand, the complement: SETX is on the minus strand). VCF-style: chr9-132326963-A-T. GRCh37 (hg19) VCF-style: chr9-135202350-A-T.
Other names: c.4635T>A, p.Ser1545Arg (NM_001351527.2, NM_001351528.2); short protein forms S1545R.
Identifiers: ClinVar variation 3753926 (VCV003753926.2).

ClinVar aggregate classification (germline): Uncertain significance (1 of 4 stars; one submission).

Conditions:
Amyotrophic lateral sclerosis type 4 (ALS4). Also called: AMYOTROPHIC LATERAL SCLEROSIS 4, JUVENILE; NEURONOPATHY, DISTAL HEREDITARY MOTOR, WITH PYRAMIDAL FEATURES. Identifiers: Orphanet 357043, MedGen C1865409, MONDO:0011223, OMIM 602433.
Spinocerebellar ataxia, autosomal recessive, with axonal neuropathy 2 (SCAN2). Also called: ATAXIA-OCULOMOTOR APRAXIA 2; Ataxia with Oculomotor Apraxia Type 2; Ataxia-ocular apraxia-2; Ataxia with Oculomotor Apraxia. Identifiers: Orphanet 64753, MedGen C1853761, MONDO:0018996, OMIM 606002.

Submission:

Labcorp Genetics (formerly Invitae), Labcorp
Classification: Uncertain significance for Amyotrophic lateral sclerosis type 4; Spinocerebellar ataxia, autosomal recessive, with axonal neuropathy 2. Last evaluated: 2024-10-31. Review status: criteria provided, single submitter. Criteria: Invitae Variant Classification Sherloc (09022015). Collection method: clinical testing. Allele origin: germline.
Comment: This sequence change replaces serine, which is neutral and polar, with arginine, which is basic and polar, at codon 1545 of the SETX protein (p.Ser1545Arg). This variant is not present in population databases (gnomAD no frequency). This variant has not been reported in the literature in individuals affected with SETX-related conditions. Invitae Evidence Modeling of protein sequence and biophysical properties (such as structural, functional, and spatial information, amino acid conservation, physicochemical variation, residue mobility, and thermodynamic stability) indicates that this missense variant is not expected to disrupt SETX protein function with a negative predictive value of 95%. In summary, the available evidence is currently insufficient to determine the role of this variant in disease. Therefore, it has been classified as a Variant of Uncertain Significance.